The following is an entry in ClinVar:

NM_001042492.3(NF1):c.2750T>A (p.Val917Asp)

Gene: NF1 (neurofibromin 1; plus strand). Cytogenetic location: 17q11.2.
Variant type: single nucleotide variant.
Coding change: c.2750T>A on transcript NM_001042492.3 (MANE Select); coding-DNA position 2750, T replaced by A.
Protein change: p.Val917Asp; replaces valine 917 with aspartic acid.
Molecular consequence: missense variant.
Genome position (GRCh38, 1-based): chr17:31,229,365, T>A. VCF-style: chr17-31229365-T-A. GRCh37 (hg19) VCF-style: chr17-29556383-T-A.
Other names: c.2750T>A, p.Val917Asp (NM_000267.4); short protein forms V917D.
Identifiers: ClinVar variation 3581824 (VCV003581824.2).
Genomic context (GRCh38, chr17:31,229,365, plus strand): 5'-GGCTGTTGTCCTTAATGGTGTGTAACCATGAGAAAGTGGGACTTCAAATACGGACCAATG[T>A]TAAGGATCTGGTGGGTCTAGAATTGAGTCCTGCTCTGTATCCAATGCTATTTAACAAATT-3'
Protein context (NP_001035957.1, residues 907-927): EKVGLQIRTN[Val917Asp]KDLVGLELSP

ClinVar aggregate classification (germline): Likely pathogenic. Review status: criteria provided, multiple submitters, no conflicts (2 of 4 stars). 2 submissions from 2 submitters: Likely pathogenic (2). Last evaluated 2025-02-26.

Conditions:
Café-au-lait macules with pulmonary stenosis (WTSN). Also called: PULMONIC STENOSIS WITH CAFE-AU-LAIT SPOTS. Identifiers: MedGen C0553586, MONDO:0008672, OMIM 193520.
Juvenile myelomonocytic leukemia (JMML). Also called: LEUKEMIA, JUVENILE MYELOMONOCYTIC, SOMATIC. Identifiers: Orphanet 86834, MedGen C0349639, MONDO:0011908, OMIM 607785, HP:0012209.
Neurofibromatosis-Noonan syndrome (NFNS). Also called: NEUROFIBROMATOSIS WITH NOONAN PHENOTYPE. Identifiers: Orphanet 638, MedGen C2931482, MONDO:0011035, OMIM 601321. Disease mechanism: loss of function.
Neurofibromatosis, familial spinal (FSNF). Identifiers: Orphanet 636, MedGen C1834235, MONDO:0008078, OMIM 162210. Disease mechanism: loss of function.
Neurofibromatosis, type 1 (NF1). Also called: VON RECKLINGHAUSEN DISEASE; Peripheral type neurofibromatosis; Neurofibromatosis, type I; NEUROFIBROMATOSIS, TYPE I, SOMATIC. Identifiers: Orphanet 636, MedGen C0027831, MONDO:0018975, OMIM 162200. Disease mechanism: loss of function.

Submissions (2):

Greenwood Genetic Center Diagnostic Laboratories, Greenwood Genetic Center
Classification: Likely pathogenic for Neurofibromatosis, type 1. Last evaluated: 2025-02-26. Review status: criteria provided, single submitter. Criteria: ACMG Guidelines, 2015. Collection method: clinical testing. Allele origin: germline. Affected: yes.
Comment: PS4_Moderate, PM2, PM5_Supporting, PP2, PP3

Fulgent Genetics
Classification: Likely pathogenic for Neurofibromatosis, type 1; Neurofibromatosis, familial spinal; Café-au-lait macules with pulmonary stenosis; Neurofibromatosis-Noonan syndrome; Juvenile myelomonocytic leukemia. Last evaluated: 2024-03-06. Review status: criteria provided, single submitter. Criteria: ACMG Guidelines, 2015. Collection method: clinical testing. Allele origin: germline.